The following is an entry in ClinVar:

ClinVar aggregate classification (germline): Benign/Likely benign. Review status: criteria provided, multiple submitters, no conflicts (2 of 4 stars). 4 submissions from 4 submitters: Benign (2); Likely benign (2). Last evaluated 2026-01-28.

Conditions:
Combined deficiency of sialidase AND beta galactosidase (GSL). Also called: NEURAMINIDASE DEFICIENCY WITH BETA-GALACTOSIDASE DEFICIENCY; NEURAMINIDASE/BETA-GALACTOSIDASE EXPRESSION; PPCA DEFICIENCY; PROTECTIVE PROTEIN/CATHEPSIN A DEFICIENCY; GOLDBERG SYNDROME; CATHEPSIN A DEFICIENCY. Identifiers: Orphanet 351, MedGen C0268233, MONDO:0009737, OMIM 256540.

Allele frequency attached by ClinVar (database versions not stated): gnomAD exomes 0.00132 and 0.00350; ExAC 0.00456; gnomAD 0.01392 and 0.01474; TOPMed 0.01566; ESP Exome Variant Server 0.01599; 1000 Genomes Project 0.01617; 1000 Genomes Project 30x 0.01843.
gnomAD v4.1: 4,109 of 1,611,484 alleles (0.25%); highest among the groups gnomAD compares: African/African-American, 4.9%; 101 homozygotes.

Submissions (4):

Labcorp Genetics (formerly Invitae), Labcorp
Classification: Benign for Combined deficiency of sialidase AND beta galactosidase. Last evaluated: 2026-01-28. Review status: criteria provided, single submitter. Criteria: Invitae Variant Classification Sherloc (09022015). Collection method: clinical testing. Allele origin: germline.

GeneDx
Classification: Likely benign. Last evaluated: 2018-07-15. Review status: criteria provided, single submitter. Criteria: GeneDx Variant Classification Process June 2021. Collection method: clinical testing. Allele origin: germline. Affected: yes.

Illumina Laboratory Services, Illumina
Classification: Benign for Combined deficiency of sialidase AND beta galactosidase. Last evaluated: 2018-01-13. Review status: criteria provided, single submitter. Criteria: ICSL Variant Classification Criteria 13 December 2019. Collection method: clinical testing. Allele origin: germline.
Comment: This variant was observed in the ICSL laboratory as part of a predisposition screen in an ostensibly healthy population. It had not been previously curated by ICSL or reported in the Human Gene Mutation Database (HGMD: prior to June 1st, 2018), and was therefore a candidate for classification through an automated scoring system. Utilizing variant allele frequency, disease prevalence and penetrance estimates, and inheritance mode, an automated score was calculated to assess if this variant is too frequent to cause the disease. Based on the score and internal cut-off values, a variant classified as benign is not then subjected to further curation. The score for this variant resulted in a classification of benign for this disease.

Breakthrough Genomics
Classification: Likely benign. Review status: criteria provided, single submitter. Criteria: ACMG Guidelines, 2015. Collection method: not provided. Allele origin: germline. Inheritance: Autosomal recessive inheritance. Affected: yes.

NM_000308.4(CTSA):c.444+14C>T

Gene: CTSA (cathepsin A; plus strand). Cytogenetic location: 20q13.12.
Variant type: single nucleotide variant.
Coding change: c.444+14C>T on transcript NM_000308.4 (MANE Select); 14 bases into the intron after coding-DNA position 444, C replaced by T.
Molecular consequence: intron variant.
Genome position (GRCh38, 1-based): chr20:45,892,498, C>T. VCF-style: chr20-45892498-C-T. GRCh37 (hg19) VCF-style: chr20-44521137-C-T.
Other names: c.444+14C>T (NM_001127695.3); c.393+14C>T (NM_001167594.3).
Identifiers: ClinVar variation 898716 (VCV000898716.16), dbSNP rs6032580, ClinGen allele CA9883031.